The following is an entry in ClinVar:

ClinVar aggregate classification (germline): Uncertain significance (1 of 4 stars; one submission).

Submission:

GeneDx
Classification: Uncertain significance. Last evaluated: 2024-02-06. Review status: criteria provided, single submitter. Criteria: GeneDx Variant Classification Process June 2021. Collection method: clinical testing. Allele origin: germline. Affected: yes.
Comment: Not observed at significant frequency in large population cohorts (gnomAD); Has not been previously published as pathogenic or benign to our knowledge; In silico analysis is inconclusive as to whether the variant alters gene splicing. In the absence of RNA/functional studies, the actual effect of this sequence change is unknown.

NM_001205293.3(CACNA1E):c.1956+3A>T

Gene: CACNA1E (calcium voltage-gated channel subunit alpha1 E; plus strand). Cytogenetic location: 1q25.3.
Variant type: single nucleotide variant.
Coding change: c.1956+3A>T on transcript NM_001205293.3 (MANE Select); 3 bases into the intron after coding-DNA position 1956, A replaced by T.
Molecular consequence: intron variant.
Genome position (GRCh38, 1-based): chr1:181,720,858, A>T. VCF-style: chr1-181720858-A-T. GRCh37 (hg19) VCF-style: chr1-181689994-A-T.
Other names: c.1956+3A>T (NM_000721.4, NM_001205294.2).
Identifiers: ClinVar variation 3368916 (VCV003368916.1).